The following is an entry in ClinVar:

ClinVar aggregate classification (germline): Conflicting classifications of pathogenicity. Review status: criteria provided, conflicting classifications (1 of 4 stars). 3 submissions from 3 submitters: Uncertain significance (2); Likely benign (1). Last evaluated 2025-08-17.

Conditions:
Hereditary cancer-predisposing syndrome. Also called: Hereditary Cancer Syndrome; Neoplastic Syndromes, Hereditary; Tumor predisposition; Hereditary neoplastic syndrome. Identifiers: Orphanet 140162, MedGen C0027672, MeSH D009386, MONDO:0015356.
Hereditary nonpolyposis colorectal neoplasms. Identifiers: MedGen C0009405, MeSH D003123.

Allele frequency attached by ClinVar (database versions not stated): gnomAD exomes below 0.00001.
gnomAD v4.1: 1 of 1,612,106 alleles (0.000062%); highest among the groups gnomAD compares: Non-Finnish European, 0.000085%; no homozygotes.

Submissions (3):

Labcorp Genetics (formerly Invitae), Labcorp
Classification: Uncertain significance for Hereditary nonpolyposis colorectal neoplasms. Last evaluated: 2025-08-17. Review status: criteria provided, single submitter. Criteria: Invitae Variant Classification Sherloc (09022015). Collection method: clinical testing. Allele origin: germline.
Comment: This sequence change replaces serine, which is neutral and polar, with arginine, which is basic and polar, at codon 18 of the MSH6 protein (p.Ser18Arg). This variant is not present in population databases (gnomAD no frequency). This variant has not been reported in the literature in individuals affected with MSH6-related conditions. ClinVar contains an entry for this variant (Variation ID: 490023). Invitae Evidence Modeling of protein sequence and biophysical properties (such as structural, functional, and spatial information, amino acid conservation, physicochemical variation, residue mobility, and thermodynamic stability) indicates that this missense variant is not expected to disrupt MSH6 protein function with a negative predictive value of 95%. In summary, the available evidence is currently insufficient to determine the role of this variant in disease. Therefore, it has been classified as a Variant of Uncertain Significance.

Color Diagnostics, LLC DBA Color Health
Classification: Uncertain significance for Hereditary cancer-predisposing syndrome. Last evaluated: 2024-03-06. Review status: criteria provided, single submitter. Criteria: ACMG Guidelines, 2015. Collection method: clinical testing. Allele origin: germline.
Comment: This missense variant replaces serine with arginine at codon 18 of the MSH6 protein. Computational prediction suggests that this variant may not impact protein structure and function (internally defined REVEL score threshold <= 0.5, PMID: 27666373). To our knowledge, functional studies have not been reported for this variant. This variant has not been reported in individuals affected with MSH6-related disorders in the literature. This variant has not been identified in the general population by the Genome Aggregation Database (gnomAD). The available evidence is insufficient to determine the role of this variant in disease conclusively. Therefore, this variant is classified as a Variant of Uncertain Significance.

Ambry Genetics
Classification: Likely benign for Hereditary cancer-predisposing syndrome. Last evaluated: 2023-11-16. Review status: criteria provided, single submitter. Criteria: Ambry Variant Classification Scheme 2023. Collection method: clinical testing. Allele origin: germline.

NM_000179.3(MSH6):c.52A>C (p.Ser18Arg)

Gene: MSH6 (mutS homolog 6; plus strand). Cytogenetic location: 2p16.3.
Variant type: single nucleotide variant.
Coding change: c.52A>C on transcript NM_000179.3 (MANE Select); coding-DNA position 52, A replaced by C.
Protein change: p.Ser18Arg; replaces serine 18 with arginine.
Molecular consequence: missense variant. On other transcripts: 5 prime UTR variant (1).
Genome position (GRCh38, 1-based): chr2:47,783,285, A>C. VCF-style: chr2-47783285-A-C. GRCh37 (hg19) VCF-style: chr2-48010424-A-C.
Other names: c.52A>C, p.Ser18Arg (NM_001281492.2); c.-685A>C (NM_001281493.2); short protein forms S18R.
Identifiers: ClinVar variation 490023 (VCV000490023.17), dbSNP rs1553408122, ClinGen allele CA346734549.
Genomic context (GRCh38, chr2:47,783,285, plus strand): 5'-GCTGTCGGTATGTCGCGACAGAGCACCCTGTACAGCTTCTTCCCCAAGTCTCCGGCGCTG[A>C]GTGATGCCAACAAGGCCTCGGCCAGGGCCTCACGCGAAGGCGGCCGTGCCGCCGCTGCCC-3'
Protein context (NP_000170.1, residues 8-28): YSFFPKSPAL[Ser18Arg]DANKASARAS